The following is an entry in ClinVar:

NM_001013838.3(CARMIL2):c.2430C>G (p.Asp810Glu)

Gene: CARMIL2 (capping protein regulator and myosin 1 linker 2; plus strand). Cytogenetic location: 16q22.1.
Variant type: single nucleotide variant.
Coding change: c.2430C>G on transcript NM_001013838.3 (MANE Select); coding-DNA position 2430, C replaced by G.
Protein change: p.Asp810Glu; replaces aspartic acid 810 with glutamic acid.
Molecular consequence: missense variant.
Genome position (GRCh38, 1-based): chr16:67,651,687, C>G. VCF-style: chr16-67651687-C-G. GRCh37 (hg19) VCF-style: chr16-67685590-C-G.
Other names: c.2322C>G, p.Asp774Glu (NM_001317026.3); short protein forms D774E, D810E.
Identifiers: ClinVar variation 3638527 (VCV003638527.2).

ClinVar aggregate classification (germline): Uncertain significance (1 of 4 stars; one submission).

Submission:

Labcorp Genetics (formerly Invitae), Labcorp
Classification: Uncertain significance. Last evaluated: 2024-02-02. Review status: criteria provided, single submitter. Criteria: Invitae Variant Classification Sherloc (09022015). Collection method: clinical testing. Allele origin: germline.
Comment: This sequence change replaces aspartic acid, which is acidic and polar, with glutamic acid, which is acidic and polar, at codon 810 of the CARMIL2 protein (p.Asp810Glu). This variant is not present in population databases (gnomAD no frequency). This variant has not been reported in the literature in individuals affected with CARMIL2-related conditions. An algorithm developed to predict the effect of missense changes on protein structure and function (PolyPhen-2) suggests that this variant is likely to be tolerated. In summary, the available evidence is currently insufficient to determine the role of this variant in disease. Therefore, it has been classified as a Variant of Uncertain Significance.